The following is an entry in ClinVar:

NM_001042492.3(NF1):c.7232G>C (p.Arg2411Thr)

Gene: NF1 (neurofibromin 1; plus strand). Cytogenetic location: 17q11.2.
Variant type: single nucleotide variant.
Coding change: c.7232G>C on transcript NM_001042492.3 (MANE Select); coding-DNA position 7232, G replaced by C.
Protein change: p.Arg2411Thr; replaces arginine 2411 with threonine.
Molecular consequence: missense variant.
Genome position (GRCh38, 1-based): chr17:31,349,162, G>C. VCF-style: chr17-31349162-G-C. GRCh37 (hg19) VCF-style: chr17-29676180-G-C.
Other names: c.7169G>C, p.Arg2390Thr (NM_000267.4); short protein forms R2390T, R2411T.
Identifiers: ClinVar variation 3237923 (VCV003237923.2), dbSNP rs2151572608.

ClinVar aggregate classification (germline): Uncertain significance. Review status: criteria provided, multiple submitters, no conflicts (2 of 4 stars). 2 submissions from 2 submitters: Uncertain significance (2). Last evaluated 2023-11-09.

Conditions:
Juvenile myelomonocytic leukemia (JMML). Also called: LEUKEMIA, JUVENILE MYELOMONOCYTIC, SOMATIC. Identifiers: Orphanet 86834, MedGen C0349639, MONDO:0011908, OMIM 607785, HP:0012209.
Hereditary cancer-predisposing syndrome. Also called: Neoplastic Syndromes, Hereditary; Tumor predisposition; Hereditary neoplastic syndrome; Hereditary Cancer Syndrome. Identifiers: Orphanet 140162, MedGen C0027672, MeSH D009386, MONDO:0015356.
Cardiovascular phenotype. Identifiers: MedGen CN230736.

Allele frequency attached by ClinVar (database versions not stated): gnomAD exomes below 0.00001.
gnomAD v4.1: 1 of 1,611,194 alleles (0.000062%); highest among the groups gnomAD compares: Non-Finnish European, 0.000085%; no homozygotes.

Submissions (2):

Ambry Genetics
Classification: Uncertain significance for Cardiovascular phenotype; Hereditary cancer-predisposing syndrome. Last evaluated: 2023-11-09. Review status: criteria provided, single submitter. Criteria: Ambry Variant Classification Scheme 2023. Collection method: clinical testing. Allele origin: germline.
Comment: The p.R2390T variant (also known as c.7169G>C), located in coding exon 48 of the NF1 gene, results from a G to C substitution at nucleotide position 7169. The arginine at codon 2390 is replaced by threonine, an amino acid with similar properties. This amino acid position is conserved. In addition, the in silico prediction for this alteration is inconclusive. Since supporting evidence is limited at this time, the clinical significance of this alteration remains unclear.

Baylor Genetics
Classification: Uncertain significance for Juvenile myelomonocytic leukemia. Last evaluated: 2023-11-08. Review status: criteria provided, single submitter. Criteria: ACMG Guidelines, 2015. Collection method: clinical testing. Allele origin: unknown.